The following is an entry in ClinVar:

ClinVar aggregate classification (germline): Benign/Likely benign. Review status: criteria provided, multiple submitters, no conflicts (2 of 4 stars). 2 submissions from 2 submitters: Benign (1); Likely benign (1). Last evaluated 2024-09-16.

Conditions:
Hereditary cancer-predisposing syndrome. Also called: Hereditary Cancer Syndrome; Tumor predisposition; Neoplastic Syndromes, Hereditary; Hereditary neoplastic syndrome. Identifiers: Orphanet 140162, MedGen C0027672, MeSH D009386, MONDO:0015356.
Hereditary diffuse gastric adenocarcinoma (HDGC). Also called: DIFFUSE GASTRIC AND LOBULAR BREAST CANCER SYNDROME. Identifiers: Orphanet 26106, MedGen C1708349, MONDO:0007648, OMIM 137215.

Submissions (2):

Myriad Genetics, Inc.
Classification: Benign for Hereditary diffuse gastric adenocarcinoma. Last evaluated: 2024-09-16. Review status: criteria provided, single submitter. Criteria: Myriad Autosomal Dominant, Autosomal Recessive and X-Linked Classification Criteria (2023). Collection method: clinical testing. Allele origin: unknown.
Comment: This variant is considered benign. This variant is a silent/synonymous amino acid change and it is not expected to impact splicing.

Ambry Genetics
Classification: Likely benign for Hereditary cancer-predisposing syndrome. Last evaluated: 2023-12-31. Review status: criteria provided, single submitter. Criteria: Ambry Variant Classification Scheme 2023. Collection method: clinical testing. Allele origin: germline.

NM_004360.5(CDH1):c.855A>T (p.Thr285=)

Gene: CDH1 (cadherin 1; plus strand). Cytogenetic location: 16q22.1.
Variant type: single nucleotide variant.
Coding change: c.855A>T on transcript NM_004360.5 (MANE Select); coding-DNA position 855, A replaced by T.
Protein change: p.Thr285=; no amino-acid change (threonine 285 retained).
Molecular consequence: synonymous variant. On other transcripts: 5 prime UTR variant (2).
Genome position (GRCh38, 1-based): chr16:68,811,706, A>T. VCF-style: chr16-68811706-A-T. GRCh37 (hg19) VCF-style: chr16-68845609-A-T.
Other names: c.855A>T, p.Thr285= (NM_001317184.2); c.-761A>T (NM_001317185.2); c.-965A>T (NM_001317186.2).
Identifiers: ClinVar variation 3224191 (VCV003224191.2), dbSNP rs2152131909, ClinGen allele CA496152854.